The following is an entry in ClinVar:

ClinVar aggregate classification (germline): Uncertain significance (1 of 4 stars; one submission).

Conditions:
Saldino-Mainzer syndrome (SRTD9). Also called: SHORT-RIB THORACIC DYSPLASIA 9 WITHOUT POLYDACTYLY; short-rib thoracic dysplasia 9 with or without polydactyly; CONORENAL SYNDROME; Renal dysplasia, retinal pigmentary dystrophy, cerebellar ataxia and skeletal dysplasia. Identifiers: Orphanet 140969, MedGen C1849437, MONDO:0009964, OMIM 266920.

Allele frequency attached by ClinVar (database versions not stated): gnomAD exomes below 0.00001.
gnomAD v4.1: 5 of 1,609,092 alleles (0.00031%); highest among the groups gnomAD compares: Non-Finnish European, 0.00043%; no homozygotes.

Submission:

Labcorp Genetics (formerly Invitae), Labcorp
Classification: Uncertain significance for Saldino-Mainzer syndrome. Last evaluated: 2023-08-17. Review status: criteria provided, single submitter. Criteria: Invitae Variant Classification Sherloc (09022015). Collection method: clinical testing. Allele origin: germline.
Comment: This sequence change replaces isoleucine, which is neutral and non-polar, with valine, which is neutral and non-polar, at codon 305 of the IFT140 protein (p.Ile305Val). This variant is not present in population databases (gnomAD no frequency). This variant has not been reported in the literature in individuals affected with IFT140-related conditions. Advanced modeling of protein sequence and biophysical properties (such as structural, functional, and spatial information, amino acid conservation, physicochemical variation, residue mobility, and thermodynamic stability) performed at Invitae indicates that this missense variant is not expected to disrupt IFT140 protein function. In summary, the available evidence is currently insufficient to determine the role of this variant in disease. Therefore, it has been classified as a Variant of Uncertain Significance.

NM_014714.4(IFT140):c.913A>G (p.Ile305Val)

Genes: IFT140 (intraflagellar transport 140; minus strand), LOC105371046 (uncharacterized LOC105371046; plus strand). Cytogenetic location: 16p13.3.
Variant type: single nucleotide variant.
Coding change: c.913A>G on transcript NM_014714.4 (MANE Select); coding-DNA position 913, A replaced by G.
Protein change: p.Ile305Val; replaces isoleucine 305 with valine.
Molecular consequence: missense variant.
Genome position (GRCh38, 1-based): chr16:1,587,294, T>C on the plus strand (A>G on the coding strand, the complement: IFT140 is on the minus strand). VCF-style: chr16-1587294-T-C. GRCh37 (hg19) VCF-style: chr16-1637295-T-C.
Other names: short protein forms I305V.
Identifiers: ClinVar variation 3002260 (VCV003002260.3), dbSNP rs1459658871, ClinGen allele CA394217020.